The following is an entry in ClinVar:

ClinVar aggregate classification (germline): Likely benign (1 of 4 stars; one submission).

Allele frequency attached by ClinVar (database versions not stated): 1000 Genomes Project 30x 0.00187; 1000 Genomes Project 0.00200; TOPMed 0.00206; gnomAD 0.00210; gnomAD exomes 0.00219; ExAC 0.00225.
gnomAD v4.1: 2,821 of 1,290,132 alleles (0.22%); highest among the groups gnomAD compares: Middle Eastern, 0.74%; 9 homozygotes.

Submission:

CeGaT Center for Human Genetics Tuebingen
Classification: Likely benign. Last evaluated: 2023-05-01. Review status: criteria provided, single submitter. Criteria: CeGaT Center For Human Genetics Tuebingen Variant Classification Criteria Version 2. Collection method: clinical testing. Allele origin: germline. Affected: yes. Observed: 3 variant alleles.
Comment: STRA6: BS2

NC_000015.10:g.74217353C>A

Genes: CCDC33 (coiled-coil domain containing 33; plus strand), STRA6 (signaling receptor and transporter of retinol STRA6; minus strand). Cytogenetic location: 15q24.1.
Variant type: single nucleotide variant.
Genome position: GRCh38 VCF-style: chr15-74217353-C-A. GRCh37 (hg19) VCF-style: chr15-74509694-C-A.
Identifiers: ClinVar variation 2645537 (VCV002645537.24), dbSNP rs142500039, ClinGen allele CA7655187.